The following is an entry in ClinVar:

ClinVar aggregate classification (germline): Likely benign. Review status: criteria provided, multiple submitters, no conflicts (2 of 4 stars). 5 submissions from 5 submitters: Likely benign (4). 1 of the submissions does not count toward it. Last evaluated 2025-08-20.

Conditions:
NDRG1-related disorder. Also called: NDRG1-related condition.
Charcot-Marie-Tooth disease type 4. Also called: Charcot-Marie-Tooth, Type 4; Charcot-Marie-Tooth disease, type IV. Identifiers: Orphanet 64749, MedGen C4082197, MONDO:0018995.
Charcot-Marie-Tooth disease. Also called: Charcot-Marie-Tooth Neuropathy; Charcot-Marie-Tooth Hereditary Neuropathy. Identifiers: Orphanet 166, MedGen C0007959, MONDO:0015626.
Inborn genetic diseases. Identifiers: MedGen C0950123, MeSH D030342.

Allele frequency attached by ClinVar (database versions not stated): gnomAD 0.00002; ExAC 0.00003; TOPMed 0.00003; gnomAD exomes 0.00004 and 0.00006; 1000 Genomes Project 30x 0.00016; 1000 Genomes Project 0.00020.
gnomAD v4.1: 63 of 1,614,232 alleles (0.0039%); highest among the groups gnomAD compares: Admixed American, 0.012%; no homozygotes.

Submissions (6):

Labcorp Genetics (formerly Invitae), Labcorp
Classification: Likely benign for Charcot-Marie-Tooth disease type 4. Last evaluated: 2025-08-20. Review status: criteria provided, single submitter. Criteria: Invitae Variant Classification Sherloc (09022015). Collection method: clinical testing. Allele origin: germline.

Blueprint Genetics
Classification: Likely benign. Last evaluated: 2024-11-06. Review status: criteria provided, single submitter. Criteria: ACMG Guidelines, 2015. Collection method: clinical testing. Allele origin: germline.

Ambry Genetics
Classification: Likely benign for Inborn genetic diseases. Last evaluated: 2019-07-11. Review status: criteria provided, single submitter. Criteria: Ambry Variant Classification Scheme 2023. Collection method: clinical testing. Allele origin: germline.

Molecular Genetics Laboratory, London Health Sciences Centre
Classification: Likely benign for Charcot-Marie-Tooth disease. Review status: criteria provided, single submitter. Criteria: ACMG Guidelines, 2015. Collection method: clinical testing. Allele origin: germline. Affected: yes.

PreventionGenetics, part of Exact Sciences
Classification: Likely benign for NDRG1-related condition. Last evaluated: 2019-08-15. Review status: no assertion criteria provided. Collection method: clinical testing. Allele origin: germline. Not counted in ClinVar's aggregate classification.
Comment: This variant is classified as likely benign based on ACMG/AMP sequence variant interpretation guidelines (Richards et al. 2015 PMID: 25741868, with internal and published modifications).

Dr. Peter K. Rogan Lab, Western University
No classification provided (evidence only). Condition: Familial cancer of breast. Review status: no classification provided. Collection method: in vitro. Allele origin: not applicable. Functional consequence: retained intron. Not counted in ClinVar's aggregate classification.

NM_006096.4(NDRG1):c.861G>A (p.Ala287=)

Gene: NDRG1 (N-myc downstream regulated 1; minus strand). Cytogenetic location: 8q24.22.
Variant type: single nucleotide variant.
Coding change: c.861G>A on transcript NM_006096.4 (MANE Select); coding-DNA position 861, G replaced by A.
Protein change: p.Ala287=; no amino-acid change (alanine 287 retained).
Molecular consequence: synonymous variant.
Genome position (GRCh38, 1-based): chr8:133,244,385, C>T on the plus strand (G>A on the coding strand, the complement: NDRG1 is on the minus strand). VCF-style: chr8-133244385-C-T. GRCh37 (hg19) VCF-style: chr8-134256628-C-T.
Other names: c.861G>A, p.Ala287= (NM_001135242.2, NM_001374845.1, NM_001374846.1); c.663G>A, p.Ala221= (NM_001258432.2, NM_001374847.1); c.618G>A, p.Ala206= (NM_001258433.2); c.912G>A, p.Ala304= (NM_001374844.1).
Identifiers: ClinVar variation 476849 (VCV000476849.19), dbSNP rs150101908, ClinGen allele CA4886523.
Genomic context (GRCh38, chr8:133,244,385, plus strand): 5'-GTATAATGCAAAAGCCAACATGGCACTCACCTGGGAGATCTGCGGGAGGCCGCCACAGTC[C>T]GCCATCTAGGAGAGAGGGAAGCTCGTTAGTGCCAAACACCACAGCCAAGGCCCTCTGCGC-3'
Protein context (NP_006087.2, residues 277-297): DPTKTTLLKM[Ala287=]DCGGLPQISQ